The following is an entry in ClinVar:

ClinVar aggregate classification (germline): Uncertain significance (1 of 4 stars; one submission).

Allele frequency attached by ClinVar (database versions not stated): gnomAD exomes below 0.00001.
gnomAD v4.1: 5 of 1,610,130 alleles (0.00031%); highest among the groups gnomAD compares: Non-Finnish European, 0.00042%; no homozygotes.

Submission:

Labcorp Genetics (formerly Invitae), Labcorp
Classification: Uncertain significance. Last evaluated: 2023-04-24. Review status: criteria provided, single submitter. Criteria: Invitae Variant Classification Sherloc (09022015). Collection method: clinical testing. Allele origin: germline.
Comment: In summary, the available evidence is currently insufficient to determine the role of this variant in disease. Therefore, it has been classified as a Variant of Uncertain Significance. An algorithm developed to predict the effect of missense changes on protein structure and function (PolyPhen-2) suggests that this variant is likely to be tolerated. This variant has not been reported in the literature in individuals affected with ACVR1-related conditions. This variant is present in population databases (no rsID available, gnomAD 0.0009%). This sequence change replaces glutamic acid, which is acidic and polar, with glutamine, which is neutral and polar, at codon 22 of the ACVR1 protein (p.Glu22Gln).

NM_001111067.4(ACVR1):c.64G>C (p.Glu22Gln)

Gene: ACVR1 (activin A receptor type 1; minus strand). Cytogenetic location: 2q24.1.
Variant type: single nucleotide variant.
Coding change: c.64G>C on transcript NM_001111067.4 (MANE Select); coding-DNA position 64, G replaced by C.
Protein change: p.Glu22Gln; replaces glutamic acid 22 with glutamine.
Molecular consequence: missense variant.
Genome position (GRCh38, 1-based): chr2:157,799,430, C>G on the plus strand (G>C on the coding strand, the complement: ACVR1 is on the minus strand). VCF-style: chr2-157799430-C-G. GRCh37 (hg19) VCF-style: chr2-158655942-C-G.
Other names: c.64G>C, p.Glu22Gln (NM_001105.5, NM_001347663.1, NM_001347664.1 and 3 more transcripts); short protein forms E22Q.
Identifiers: ClinVar variation 2873696 (VCV002873696.3), dbSNP rs1473120013, ClinGen allele CA349194102.